The following is an entry in ClinVar:

ClinVar aggregate classification (germline): Conflicting classifications of pathogenicity. Review status: criteria provided, conflicting classifications (1 of 4 stars). 3 submissions from 3 submitters: Uncertain significance (2); Likely benign (1). Last evaluated 2023-05-23.

Allele frequency attached by ClinVar (database versions not stated): TOPMed 0.00009; gnomAD 0.00012 and 0.00013; ESP Exome Variant Server 0.00015; gnomAD exomes 0.00033 and 0.00006; ExAC 0.00005.
gnomAD v4.1: 494 of 1,613,934 alleles (0.031%); highest among the groups gnomAD compares: Non-Finnish European, 0.041%; no homozygotes.

Submissions (3):

Ambry Genetics
Classification: Likely benign. Last evaluated: 2023-05-23. Review status: criteria provided, single submitter. Criteria: Ambry Variant Classification Scheme 2023. Collection method: clinical testing. Allele origin: germline.

GeneDx
Classification: Uncertain significance. Last evaluated: 2019-11-04. Review status: criteria provided, single submitter. Criteria: GeneDx Variant Classification Process June 2021. Collection method: clinical testing. Allele origin: germline. Affected: yes.
Comment: In silico analysis, which includes protein predictors and evolutionary conservation, supports that this variant does not alter protein structure/function; Has not been previously published as pathogenic or benign to our knowledge; Variants in candidate genes are classified as variants of uncertain significance in accordance with ACMG guidelines (Richards et al., 2015)

Breakthrough Genomics
Classification: Uncertain significance. Review status: criteria provided, single submitter. Criteria: ACMG Guidelines, 2015. Collection method: not provided. Allele origin: germline. Inheritance: Autosomal recessive inheritance. Affected: yes.

NM_001941.5(DSC3):c.1511A>G (p.Asn504Ser)

Gene: DSC3 (desmocollin 3; minus strand). Cytogenetic location: 18q12.1.
Variant type: single nucleotide variant.
Coding change: c.1511A>G on transcript NM_001941.5 (MANE Select); coding-DNA position 1511, A replaced by G.
Protein change: p.Asn504Ser; replaces asparagine 504 with serine.
Molecular consequence: missense variant.
Genome position (GRCh38, 1-based): chr18:31,008,278, T>C on the plus strand (A>G on the coding strand, the complement: DSC3 is on the minus strand). VCF-style: chr18-31008278-T-C. GRCh37 (hg19) VCF-style: chr18-28588244-T-C.
Other names: c.1511A>G, p.Asn504Ser (NM_024423.4); c.1511A>G (NM_024423.2); short protein forms N504S.
Identifiers: ClinVar variation 1310015 (VCV001310015.5), dbSNP rs138874577, ClinGen allele CA8924294.